The following is an entry in ClinVar:

ClinVar aggregate classification (germline): Pathogenic. Review status: reviewed by expert panel (3 of 4 stars). 26 submissions from 26 submitters: Pathogenic (1). 25 of the submissions do not count toward it. Last evaluated 2019-06-18.

Conditions:
Hereditary cancer-predisposing syndrome. Also called: Tumor predisposition; Neoplastic Syndromes, Hereditary; Hereditary Cancer Syndrome; Hereditary neoplastic syndrome. Identifiers: Orphanet 140162, MedGen C0027672, MeSH D009386, MONDO:0015356.
Hereditary breast ovarian cancer syndrome. Also called: Hereditary breast and ovarian cancer syndrome (HBOC); Hereditary breast and ovarian cancer syndrome; Hereditary breast and ovarian cancer; Hereditary breast and/or ovarian cancer syndrome; Breast and ovarian cancer; BRCA1- and BRCA2-Associated Hereditary Breast and Ovarian Cancer. Identifiers: Orphanet 145, MedGen C0677776, MeSH D061325, MONDO:0003582. Disease mechanism: loss of function.
Carcinoma of pancreas. Also called: Pancreatic cancer, somatic; Pancreatic carcinoma, somatic; Exocrine pancreatic carcinoma; PANCREATIC ACINAR CARCINOMA; PANCREATIC CARCINOMA. Identifiers: Orphanet 1333, Orphanet 217074, MedGen C0235974, MONDO:0005192. Disease mechanism: loss of function.
Breast-ovarian cancer, familial, susceptibility to, 2 (BROVCA2). Also called: BRCA2 Hereditary Breast and Ovarian Cancer. Identifiers: Orphanet 145, MedGen C2675520, MONDO:0012933, OMIM 612555. Disease mechanism: loss of function.
Breast-ovarian cancer, familial, susceptibility to, 1 (BROVCA1). Also called: OVARIAN CANCER, SUSCEPTIBILITY TO; BRCA1 Hereditary Breast and Ovarian Cancer. Identifiers: Orphanet 145, MedGen C2676676, MONDO:0011450, OMIM 604370. Disease mechanism: loss of function.
Familial cancer of breast. Also called: Hereditary breast cancer; hereditary breast carcinoma; BREAST CANCER, FAMILIAL. Identifiers: Orphanet 227535, MedGen C0346153, MONDO:0016419, OMIM 114480. Disease mechanism: loss of function.
Malignant tumor of breast. Also called: Malignant breast neoplasm; Cancer breast. Identifiers: MedGen C0006142, MONDO:0007254. Disease mechanism: loss of function.

gnomAD v4.1: 3 of 1,613,474 alleles (0.00019%); highest among the groups gnomAD compares: Non-Finnish European, 0.00025%; no homozygotes.

Submissions 1 to 7 of 26:

Evidence-based Network for the Interpretation of Germline Mutant Alleles (ENIGMA)
Classification: Pathogenic for Breast-ovarian cancer, familial, susceptibility to, 2. Last evaluated: 2019-06-18. Review status: reviewed by expert panel. Criteria: ENIGMA BRCA1/2 Classification Criteria (2017-06-29). Collection method: curation. Allele origin: germline.
Comment: IARC class based on posterior probability from multifactorial likelihood analysis, thresholds for class as per Plon et al. 2008 (PMID: 18951446). Class 5 based on posterior probability = 0.999891

GeneDx
Classification: Pathogenic. Last evaluated: 2026-08-30. Review status: criteria provided, single submitter. Criteria: GeneDx Variant Classification Process June 2021. Collection method: clinical testing. Allele origin: germline. Not counted in ClinVar's aggregate classification.
Comment: Canonical splice site variant predicted to result in a null allele in a gene for which loss of function is a known mechanism of disease; Observed in individuals with a personal or family history consistent with pathogenic variants in this gene (Wagner et al., 1999; Tea et al., 2014; Lerner-Ellis et al., 2021; Solao et al., 2021); Truncating variants in this gene are considered pathogenic by a well-established clinical consortium and/or database; Not observed at significant frequency in large population cohorts (gnomAD); Also known as 8983-1G>A; This variant is associated with the following publications: (PMID: 23199084, 31131967, 29785153, 36717774, 35409996, 23451180, 9971877, 18489799, 25382762, 24156927, 23772696, 27060066, 20104584, 28726806, 29360161, 30257646, 29387975, 29446198, 29922827, 28918466, 31723001, 32206145, 32885271, 32438681, 35264596, 24312913, 34072659, Eniu2017[Abstract], 38725546, 39148954, 36980780, 38386807, 40508121, 39779857, 11802209, 39779848)

Labcorp Genetics (formerly Invitae), Labcorp
Classification: Pathogenic for Hereditary breast ovarian cancer syndrome. Last evaluated: 2025-11-05. Review status: criteria provided, single submitter. Criteria: Invitae Variant Classification Sherloc (09022015). Collection method: clinical testing. Allele origin: germline. Not counted in ClinVar's aggregate classification.
Comment: This sequence change affects an acceptor splice site in intron 21 of the BRCA2 gene. RNA analysis indicates that disruption of this splice site induces altered splicing and may result in an absent or altered protein product. This variant is not present in population databases (gnomAD no frequency). Disruption of this splice site has been observed in individual(s) with personal and/or family history of breast and/or ovarian cancer (PMID: 9971877, 18489799, 24156927). It has also been observed to segregate with disease in related individuals. ClinVar contains an entry for this variant (Variation ID: 38183). Studies have shown that disruption of this splice site alters mRNA splicing and is expected to lead to the loss of protein expression (PMID: 9971877, 23451180, 25382762; internal data). For these reasons, this variant has been classified as Pathogenic.

Color Diagnostics, LLC DBA Color Health
Classification: Pathogenic for Hereditary cancer-predisposing syndrome. Last evaluated: 2025-06-04. Review status: criteria provided, single submitter. Criteria: ACMG Guidelines, 2015. Collection method: clinical testing. Allele origin: germline. Not counted in ClinVar's aggregate classification.
Comment: This variant causes a G to A nucleotide substitution at the canonical -1 position of intron 21 splice acceptor site of the BRCA2 gene. This variant is also known as IVS21-1G>A in the literature. RNA studies have shown that this variant causes skipping of exon 22 or skipping of exon 22 plus first 51 nucleotides of exon 23 (PMID: 9971877, 18489799, 23451180, 25382762) or generally affected splicing (PMID: 39779848). Functional studies have reported that this variant impacted BRCA2 function in a haploid cell proliferation assay and in sensitivity assays to cisplatin and PARP inhibitor (PMID: 39779848, 39779857). This variant is expected to result in an absent or non-functional protein product. This variant has been reported in over fifteen individuals affected with breast and/or ovarian cancer (PMID: 9971877, 11802209, 18489799, 29785153, 32206145, 32438681Matteis 2019, DOI: 10.12892/ejgo5165.2019) and in an individual affected with pancreatic and prostate cancer with family history of breast and/or ovarian cancer (PMID: 29360161). This variant has also been reported in 26 individuals from 13 different families at high risk for breast cancer (PMID: 24156927). This variant has not been identified in the general population by the Genome Aggregation Database (gnomAD). Loss of BRCA2 function is a known mechanism of disease. Based on the available evidence, this variant is classified as Pathogenic.

Ambry Genetics
Classification: Pathogenic for Hereditary cancer-predisposing syndrome. Last evaluated: 2024-11-20. Review status: criteria provided, single submitter. Criteria: Ambry Variant Classification Scheme 2023. Collection method: clinical testing. Allele origin: germline. Not counted in ClinVar's aggregate classification.
Comment: The c.8755-1G>A intronic pathogenic mutation results from a G to A substitution one nucleotide before coding exon 21 of the BRCA2 gene. This variant has been identified in multiple individuals with a personal and/or family history of breast and/or ovarian cancer (Machackova E et al. BMC Cancer. 2008 May;8:140; Tea MK et al. Maturitas. 2014 Jan;77:68-72; Goidescu IG et al. Clujul Med, 2018 Apr;91:157-165; Boltear L et al. Hered Cancer Clin Pract, 2020 Mar;18:7). This variant has also been reported in 1 of 1296 individuals with pancreatic adenocarcinoma (Dudley B et al. Cancer, 2018 Apr;124:1691-1700). In multiple RNA studies, transcript analysis and minigene assays revealed aberrant transcripts that can lead to a frameshift as the result of this variant (Ambry internal data; Colombo M et al. PLoS ONE. 2013 Mar;8(2):e57173; Acedo A et al. Hum. Mutat. 2015 Feb;36(2):210-21). This variant is considered to be rare based on population cohorts in the Genome Aggregation Database (gnomAD). This nucleotide position is highly conserved in available vertebrate species. In silico splice site analysis predicts that this alteration will weaken the native splice acceptor site and will result in the creation or strengthening of a novel splice acceptor site. In addition to the clinical data presented in the literature, alterations that disrupt the canonical splice site are expected to cause aberrant splicing, resulting in an abnormal protein or a transcript that is subject to nonsense-mediated mRNA decay. As such, this alteration is classified as a disease-causing mutation.

Quest Diagnostics Nichols Institute San Juan Capistrano
Classification: Pathogenic. Last evaluated: 2023-11-16. Review status: criteria provided, single submitter. Criteria: Quest Diagnostics criteria. Collection method: clinical testing. Allele origin: unknown. Not counted in ClinVar's aggregate classification.
Comment: The BRCA2 c.8755-1G>A variant disrupts a canonical splice-acceptor site and interferes with normal BRCA2 mRNA splicing. This variant has been reported in the published literature in several individuals and families affected with breast/ovarian cancer (PMIDs: 32206145 (2020), 32885271 (2021), 35264596 (2022), 35409996 (2022)) and pancreatic cancer (PMIDs: 29360161 (2018), 36717774 (2023)). It is described as a frequent mutation in central and southern European breast cancer patients and families (PMIDs: 24156927 (2014), 29446198 (2018), 29785153 (2018), 32438681 (2020)). When researchers examined the RNA produced from this variant, a major splicing defect was observed that involved the skipping of exon 22, though a residual amount of wild-type transcript was detected (PMIDs: 18489799 (2008), 23451180 (2013), 25382762 (2015)). In some transcripts, a deletion of 51 bp at the 5-prime end of exon 23 was also observed (PMID: 23451180 (2013)). This variant has not been reported in large, multi-ethnic general populations (Genome Aggregation Database). Based on the available information, this variant is classified as pathogenic.

Baylor Genetics
Classification: Pathogenic for Familial cancer of breast. Last evaluated: 2023-04-04. Review status: criteria provided, single submitter. Criteria: ACMG Guidelines, 2015. Collection method: clinical testing. Allele origin: unknown. Not counted in ClinVar's aggregate classification.

NM_000059.4(BRCA2):c.8755-1G>A

Gene: BRCA2 (BRCA2 DNA repair associated; plus strand). Cytogenetic location: 13q13.1.
Variant type: single nucleotide variant.
Coding change: c.8755-1G>A on transcript NM_000059.4 (MANE Select); the canonical splice acceptor site of the intron before coding-DNA position 8755, G replaced by A.
Molecular consequence: splice acceptor variant.
Genome position (GRCh38, 1-based): chr13:32,379,316, G>A. VCF-style: chr13-32379316-G-A. GRCh37 (hg19) VCF-style: chr13-32953453-G-A.
Other names: IVS21-1G>A; c.8755-1G>A (NM_001406720.1); c.8659-1G>A (NM_001406719.1); c.3823-1G>A (NM_001406721.1); c.2338-1G>A (NM_001406722.1).
Identifiers: ClinVar variation 38183 (VCV000038183.50), dbSNP rs81002812, ClinGen allele CA025812.